The following is an entry in ClinVar:

ClinVar aggregate classification (germline): Uncertain significance. Review status: criteria provided, multiple submitters, no conflicts (2 of 4 stars). 2 submissions from 2 submitters: Uncertain significance (2). Last evaluated 2024-03-28.

Allele frequency attached by ClinVar (database versions not stated): gnomAD exomes below 0.00001 and 0.00002; ExAC 0.00002.
gnomAD v4.1: 5 of 1,612,004 alleles (0.00031%); highest among the groups gnomAD compares: East Asian, 0.0089%; no homozygotes.

Submissions (2):

Labcorp Genetics (formerly Invitae), Labcorp
Classification: Uncertain significance. Last evaluated: 2024-03-28. Review status: criteria provided, single submitter. Criteria: Invitae Variant Classification Sherloc (09022015). Collection method: clinical testing. Allele origin: germline.
Comment: This sequence change replaces glycine, which is neutral and non-polar, with serine, which is neutral and polar, at codon 53 of the NOTCH3 protein (p.Gly53Ser). This variant is present in population databases (rs778989879, gnomAD 0.03%). This missense change has been observed in individual(s) with cerebral arteriopathy with subcortical infarcts and leukoencephalopathy 1 (PMID: 31915071). ClinVar contains an entry for this variant (Variation ID: 1313133). Advanced modeling of protein sequence and biophysical properties (such as structural, functional, and spatial information, amino acid conservation, physicochemical variation, residue mobility, and thermodynamic stability) has been performed at Invitae for this missense variant, however the output from this modeling did not meet the statistical confidence thresholds required to predict the impact of this variant on NOTCH3 protein function. In summary, the available evidence is currently insufficient to determine the role of this variant in disease. Therefore, it has been classified as a Variant of Uncertain Significance.

GeneDx
Classification: Uncertain significance. Last evaluated: 2020-10-05. Review status: criteria provided, single submitter. Criteria: GeneDx Variant Classification Process June 2021. Collection method: clinical testing. Allele origin: germline. Affected: yes.
Comment: Identified in patient with CADASIL, however, authors note that this variant does not result in a gain or loss of a cysteine residue, which is the primary disease mechanism for CADASIL (Dunn et al., 2020); In silico analysis supports that this missense variant has a deleterious effect on protein structure/function; This variant is associated with the following publications: (PMID: 31915071)

Literature cited by the submitters: PubMed 31915071 (cited by Labcorp Genetics (formerly Invitae), Labcorp).

NM_000435.3(NOTCH3):c.157G>A (p.Gly53Ser)

Gene: NOTCH3 (notch receptor 3; minus strand). Cytogenetic location: 19p13.12.
Variant type: single nucleotide variant.
Coding change: c.157G>A on transcript NM_000435.3 (MANE Select); coding-DNA position 157, G replaced by A.
Protein change: p.Gly53Ser; replaces glycine 53 with serine.
Molecular consequence: missense variant.
Genome position (GRCh38, 1-based): chr19:15,197,540, C>T on the plus strand (G>A on the coding strand, the complement: NOTCH3 is on the minus strand). VCF-style: chr19-15197540-C-T. GRCh37 (hg19) VCF-style: chr19-15308351-C-T.
Other names: short protein forms G53S.
Identifiers: ClinVar variation 1313133 (VCV001313133.4), dbSNP rs778989879, ClinGen allele CA9263983.